The following is an entry in ClinVar:

ClinVar aggregate classification (germline): Pathogenic/Likely pathogenic. Review status: criteria provided, multiple submitters, no conflicts (2 of 4 stars). 4 submissions from 4 submitters: Pathogenic (1); Likely pathogenic (3). Last evaluated 2025-06-25.

Conditions:
Carnitine deficiency. Identifiers: MedGen C1142132.
Renal carnitine transport defect (CDSP). Also called: Primary carnitine deficiency; Systemic primary carnitine deficiency; Carnitine transporter deficiency; Carnitine Deficiency, Systemic; CARNITINE DEFICIENCY, SYSTEMIC, DUE TO DEFECT IN RENAL REABSORPTION OF CARNITINE; CARNITINE TRANSPORTER, PLASMA-MEMBRANE, DEFICIENCY OF. Identifiers: Orphanet 158, MedGen C0342788, MONDO:0008919, OMIM 212140.

Allele frequency attached by ClinVar (database versions not stated): gnomAD 0.00001; TOPMed 0.00001; gnomAD exomes below 0.00001.
gnomAD v4.1: 3 of 1,614,056 alleles (0.00019%); highest among the groups gnomAD compares: Non-Finnish European, 0.00025%; no homozygotes.

Submissions (4):

Natera, Inc.
Classification: Likely pathogenic for Carnitine deficiency. Last evaluated: 2025-06-25. Review status: criteria provided, single submitter. Criteria: Natera Variant Classification Schema (03/2026). Collection method: clinical testing. Allele origin: germline.
Comment: The c.1336G>T variant in SLC22A5 is a missense variant predicted to cause substitution of valine to phenylalanine at amino acid 446. This variant is rare in the general population with a frequency below the threshold expected for the associated phenotype(s). This variant has been observed in one or more individuals affected with the associated recessive disease, as either homozygous or compound heterozygous with a second variant (PMID: 10612840, 28711408). Functional studies show that this variant may disrupt protein function (PMID: 10612840). Computational prediction algorithms indicate this variant is likely to affect gene or protein function. Given the available evidence, this variant is classified as Likely Pathogenic.

Fulgent Genetics
Classification: Likely pathogenic for Renal carnitine transport defect. Last evaluated: 2024-06-06. Review status: criteria provided, single submitter. Criteria: ACMG Guidelines, 2015. Collection method: clinical testing. Allele origin: germline.

Women's Health and Genetics/Laboratory Corporation of America, LabCorp
Classification: Likely pathogenic for Renal carnitine transport defect. Last evaluated: 2024-06-04. Review status: criteria provided, single submitter. Criteria: LabCorp Variant Classification Summary - May 2015. Collection method: clinical testing. Allele origin: germline.
Comment: Variant summary: SLC22A5 c.1336G>T (p.Val446Phe) results in a non-conservative amino acid change located in the Major facilitator superfamily domain (IPR020846) of the encoded protein sequence. Five of five in-silico tools predict a damaging effect of the variant on protein function. The variant allele was found at a frequency of 4e-06 in 251486 control chromosomes. c.1336G>T has been reported in the literature in multiple compound heterozygous individuals affected with Systemic Primary Carnitine Deficiency, including one asymptomatic individual with diagnosis by biochemical screening (e.g. Mayatepek_1999, Rose_2012, Gallant_2017). These data indicate that the variant may be associated with disease. At least one publication reports experimental evidence evaluating an impact on protein function. The most pronounced variant effect results in significantly reduced (~3% of WT) carnitine uptake in vitro (e.g. Mayatepek_1999). The following publications have been ascertained in the context of this evaluation (PMID: 28711408, 10612840, 21922592). ClinVar contains an entry for this variant (Variation ID: 1424767). Based on the evidence outlined above, the variant was classified as likely pathogenic.

Labcorp Genetics (formerly Invitae), Labcorp
Classification: Pathogenic for Renal carnitine transport defect. Last evaluated: 2023-05-02. Review status: criteria provided, single submitter. Criteria: Invitae Variant Classification Sherloc (09022015). Collection method: clinical testing. Allele origin: germline.
Comment: This sequence change replaces valine, which is neutral and non-polar, with phenylalanine, which is neutral and non-polar, at codon 446 of the SLC22A5 protein (p.Val446Phe). For these reasons, this variant has been classified as Pathogenic. Experimental studies have shown that this missense change affects SLC22A5 function (PMID: 10612840, 28841266). Advanced modeling of protein sequence and biophysical properties (such as structural, functional, and spatial information, amino acid conservation, physicochemical variation, residue mobility, and thermodynamic stability) performed at Invitae indicates that this missense variant is expected to disrupt SLC22A5 protein function. ClinVar contains an entry for this variant (Variation ID: 1424767). This missense change has been observed in individual(s) with primary carnitine deficiency (PMID: 10612840, 28711408). This variant is present in population databases (rs72552733, gnomAD 0.0009%).

Literature cited by the submitters: PubMed 10612840 (cited by 3 submitters); PubMed 28711408 (cited by 3 submitters); PubMed 21922592 (cited by Women's Health and Genetics/Laboratory Corporation of America, LabCorp); PubMed 28841266 (cited by Labcorp Genetics (formerly Invitae), Labcorp).

NM_003060.4(SLC22A5):c.1336G>T (p.Val446Phe)

Gene: SLC22A5 (solute carrier family 22 member 5; plus strand). Cytogenetic location: 5q31.1.
Variant type: single nucleotide variant.
Coding change: c.1336G>T on transcript NM_003060.4 (MANE Select); coding-DNA position 1336, G replaced by T.
Protein change: p.Val446Phe; replaces valine 446 with phenylalanine.
Molecular consequence: missense variant.
Genome position (GRCh38, 1-based): chr5:132,392,501, G>T. VCF-style: chr5-132392501-G-T. GRCh37 (hg19) VCF-style: chr5-131728193-G-T.
Other names: c.1408G>T, p.Val470Phe (NM_001308122.2); c.1336G>T (NM_003060.3); short protein forms V470F.
Identifiers: ClinVar variation 1424767 (VCV001424767.12), dbSNP rs72552733, ClinGen allele CA342676.
Genomic context (GRCh38, chr5:132,392,501, plus strand): 5'-TATTTGGCTACAGTCCTGGTGATGGTGGGCAAGTTTGGAGTCACGGCTGCCTTTTCCATG[G>T]TCTACGTGTACACAGCCGAGCTGTATCCCACAGTGGTGAGAAACATGGGTGTGGGAGTCA-3'
Protein context (NP_003051.1, residues 436-456): KFGVTAAFSM[Val446Phe]YVYTAELYPT